The following is an entry in ClinVar:

ClinVar aggregate classification (germline): Uncertain significance. Review status: criteria provided, multiple submitters, no conflicts (2 of 4 stars). 2 submissions from 2 submitters: Uncertain significance (2). Last evaluated 2025-06-25.

Conditions:
Ellis-van Creveld syndrome (EVC). Also called: Chondroectodermal dysplasia; EVC-Related Ellis-van Creveld Syndrome; EVC2-Related Ellis-van Creveld Syndrome; MESOECTODERMAL DYSPLASIA. Identifiers: Orphanet 289, MedGen C0013903, MONDO:0009162, OMIM 225500.
Curry-Hall syndrome (WAD). Also called: WEYERS ACRODENTAL DYSOSTOSIS. Identifiers: Orphanet 952, MedGen C0457013, MONDO:0008673, OMIM 193530.
Inborn genetic diseases. Identifiers: MedGen C0950123, MeSH D030342.

Allele frequency attached by ClinVar (database versions not stated): gnomAD 0.00001; TOPMed 0.00002; gnomAD exomes 0.00003; ExAC 0.00009; 1000 Genomes Project 30x 0.00031; 1000 Genomes Project 0.00040.
gnomAD v4.1: 50 of 1,610,436 alleles (0.0031%); highest among the groups gnomAD compares: South Asian, 0.044%; no homozygotes.

Submissions (2):

Ambry Genetics
Classification: Uncertain significance for Inborn genetic diseases. Last evaluated: 2025-06-25. Review status: criteria provided, single submitter. Criteria: Ambry Variant Classification Scheme 2023. Collection method: clinical testing. Allele origin: germline.

Labcorp Genetics (formerly Invitae), Labcorp
Classification: Uncertain significance for Curry-Hall syndrome; Ellis-van Creveld syndrome. Last evaluated: 2022-06-02. Review status: criteria provided, single submitter. Criteria: Invitae Variant Classification Sherloc (09022015). Collection method: clinical testing. Allele origin: germline.
Comment: This sequence change replaces alanine, which is neutral and non-polar, with threonine, which is neutral and polar, at codon 743 of the EVC protein (p.Ala743Thr). This variant is present in population databases (rs574651183, gnomAD 0.04%). This variant has not been reported in the literature in individuals affected with EVC-related conditions. Algorithms developed to predict the effect of missense changes on protein structure and function are either unavailable or do not agree on the potential impact of this missense change (SIFT: "Tolerated"; PolyPhen-2: "Possibly Damaging"; Align-GVGD: "Class C0"). In summary, the available evidence is currently insufficient to determine the role of this variant in disease. Therefore, it has been classified as a Variant of Uncertain Significance.

NM_153717.3(EVC):c.2227G>A (p.Ala743Thr)

Gene: EVC (EvC ciliary complex subunit 1; plus strand). Cytogenetic location: 4p16.2.
Variant type: single nucleotide variant.
Coding change: c.2227G>A on transcript NM_153717.3 (MANE Select); coding-DNA position 2227, G replaced by A.
Protein change: p.Ala743Thr; replaces alanine 743 with threonine.
Molecular consequence: missense variant.
Genome position (GRCh38, 1-based): chr4:5,798,715, G>A. VCF-style: chr4-5798715-G-A. GRCh37 (hg19) VCF-style: chr4-5800442-G-A.
Other names: c.2227G>A (NM_153717.2); c.2227G>A, p.Ala743Thr (NM_001306090.2); short protein forms A743T.
Identifiers: ClinVar variation 2147901 (VCV002147901.2), dbSNP rs574651183, ClinGen allele CA2836418.